The following is an entry in ClinVar:

NM_133510.4(RAD51B):c.436G>A (p.Ala146Thr)

Gene: RAD51B (RAD51 paralog B; plus strand). Cytogenetic location: 14q24.1.
Variant type: single nucleotide variant.
Coding change: c.436G>A on transcript NM_133510.4 (MANE Select); coding-DNA position 436, G replaced by A.
Protein change: p.Ala146Thr; replaces alanine 146 with threonine.
Molecular consequence: missense variant.
Genome position (GRCh38, 1-based): chr14:67,865,123, G>A. VCF-style: chr14-67865123-G-A. GRCh37 (hg19) VCF-style: chr14-68331840-G-A.
Other names: NP_001308747.1:p.Ala146Thr; c.436G>A (NM_133510.3); c.436G>A, p.Ala146Thr (NM_001321809.2, NM_001321810.2, NM_001321812.1 and 6 more transcripts); c.322G>A, p.Ala108Thr (NM_001321815.1); c.79G>A, p.Ala27Thr (NM_001321817.2); short protein forms A108T, A146T, A27T.
Identifiers: ClinVar variation 1678945 (VCV001678945.2), dbSNP rs200741476, ClinGen allele CA7241081.

ClinVar aggregate classification (germline): Uncertain significance. Review status: criteria provided, multiple submitters, no conflicts (2 of 4 stars). 2 submissions from 2 submitters: Uncertain significance (2). Last evaluated 2024-12-16.

Conditions:
Hereditary breast ovarian cancer syndrome. Also called: Hereditary breast and ovarian cancer syndrome; BRCA1- and BRCA2-Associated Hereditary Breast and Ovarian Cancer; Hereditary breast and ovarian cancer syndrome (HBOC); Hereditary breast and/or ovarian cancer syndrome; Breast and ovarian cancer; Hereditary breast and ovarian cancer. Identifiers: Orphanet 145, MedGen C0677776, MeSH D061325, MONDO:0003582. Disease mechanism: loss of function.

Allele frequency attached by ClinVar (database versions not stated): ExAC 0.00007; ESP Exome Variant Server 0.00008; gnomAD exomes 0.00012; 1000 Genomes Project 0.00020; 1000 Genomes Project 30x 0.00031.
gnomAD v4.1: 200 of 1,597,808 alleles (0.013%); highest among the groups gnomAD compares: Non-Finnish European, 0.017%; no homozygotes.

Submissions (2):

Ambry Genetics
Classification: Uncertain significance. Last evaluated: 2024-12-16. Review status: criteria provided, single submitter. Criteria: Ambry Variant Classification Scheme 2023. Collection method: clinical testing. Allele origin: germline.
Comment: The p.A146T variant (also known as c.436G>A), located in coding exon 4 of the RAD51B gene, results from a G to A substitution at nucleotide position 436. The alanine at codon 146 is replaced by threonine, an amino acid with similar properties. This amino acid position is highly conserved in available vertebrate species. In addition, the in silico prediction for this alteration is inconclusive. The evidence for this gene-disease relationship is limited; therefore, the clinical significance of this alteration is unclear.

National Health Laboratory Service, Universitas Academic Hospital and University of the Free State
Classification: Uncertain significance for Hereditary breast ovarian cancer syndrome. Last evaluated: 2022-04-19. Review status: criteria provided, single submitter. Criteria: ACMG Guidelines, 2015. Collection method: clinical testing. Allele origin: germline. Affected: yes. Observed: 1 variant allele.